The following is an entry in ClinVar:

NC_000009.11:g.(?_133569166)_(133574782_133576253)del

Gene: EXOSC2 (exosome component 2; plus strand). Cytogenetic location: 9q34.12.
Variant type: Deletion.
Identifiers: ClinVar variation 3384832 (VCV003384832.1).

ClinVar aggregate classification (germline): Uncertain significance (1 of 4 stars; one submission).

Submission:

Women's Health and Genetics/Laboratory Corporation of America, LabCorp
Classification: Uncertain significance. Last evaluated: 2024-10-08. Review status: criteria provided, single submitter. Criteria: LabCorp Variant Classification Summary - May 2015. Collection method: clinical testing. Allele origin: germline.
Comment: Variant summary: The variant involves the deletion of exons 1-5 in the EXOSC2 gene. A presumed nomenclature of c.(?_-13)_(426+1_427-1)del has been designated for the purposes of this classification. The exact breakpoint at the 5' end of this variant is unknown, therefore this deletion may extend upstream of the annotated region of this gene. Although the exact breakpoints of this deletion are not known, it is predicted to remove the initiation codon and result in an absence of protein or a truncation of the encoded protein due to translation initiation at a downstream site. However, current evidence is not sufficient to establish loss of function as a mechanism for disease. The variant was absent in 21692 control chromosomes (gnomAD, structural variants dataset). The available data on variant occurrences in the general population are insufficient to allow any conclusion about variant significance. To our knowledge, no occurrence of c.(?_-13)_(426+1_427-1)del in individuals affected with Retinitis Pigmentosa-Hearing Loss-Premature Aging-Short Stature-Facial Dysmorphism Syndrome and no experimental evidence demonstrating its impact on protein function have been reported. No submitters have cited clinical-significance assessments for this variant to ClinVar. Based on the evidence outlined above, the variant was classified as uncertain significance.